The following is an entry in ClinVar:

NM_004006.3(DMD):c.6164_6165del (p.Ile2055fs)

Gene: DMD (dystrophin; minus strand). Cytogenetic location: Xp21.1.
Variant type: Deletion.
Coding change: c.6164_6165del on transcript NM_004006.3 (MANE Select); coding-DNA positions 6164 to 6165, 2 bases deleted (TT; older notation c.6164_6165delTT).
Protein change: p.Ile2055fs; shifts the reading frame from isoleucine 2055.
Molecular consequence: frameshift variant.
Genome position (GRCh38, 1-based): chrX:32,287,654-32,287,655, AA deleted on the plus strand (TT on the coding strand, the reverse complement: DMD is on the minus strand). VCF-style (leftmost placement, unchanged base first): chrX-32287653-GAA-G. GRCh37 (hg19) VCF-style: chrX-32305770-GAA-G.
Other names: c.6140_6141del, p.Ile2047fs (NM_000109.4); c.6152_6153del, p.Ile2051fs (NM_004009.3); c.5795_5796del, p.Ile1932fs (NM_004010.3); c.2141_2142del, p.Ile714fs (NM_004011.4); c.2132_2133del, p.Ile711fs (NM_004012.4); short protein forms I1932fs, I2047fs, I2051fs, I2055fs, I711fs, I714fs.
Identifiers: ClinVar variation 4854138 (VCV004854138.1).

ClinVar aggregate classification (germline): Likely pathogenic (1 of 4 stars; one submission).

Conditions:
Duchenne muscular dystrophy (DMD). Also called: Duchenne Muscular Dystrophy (DMD); MUSCULAR DYSTROPHY, PSEUDOHYPERTROPHIC PROGRESSIVE, DUCHENNE TYPE. Identifiers: Orphanet 98896, MedGen C0013264, MONDO:0010679, OMIM 310200.

Submission:

3billion
Classification: Likely pathogenic for Duchenne muscular dystrophy. Last evaluated: 2025-09-24. Review status: criteria provided, single submitter. Criteria: ACMG Guidelines, 2015. Collection method: clinical testing. Allele origin: germline. Affected: yes.
Comment: The variant is not observed in the gnomAD v4.1.0 dataset. Predicted Consequence/Location: Frameshift: predicted to result in a loss or disruption of normal protein function through nonsense-mediated decay (NMD) or protein truncation. Multiple pathogenic variants are reported downstream of the variant. Therefore, this variant is classified as Likely pathogenic according to the recommendation of ACMG/AMP guideline.